The following is an entry in ClinVar:

NM_001374385.1(ATP8B1):c.941-20A>G

Genes: ATP8B1 (ATPase phospholipid transporting 8B1; minus strand), LOC126862761 (CDK7 strongly-dependent group 2 enhancer GRCh37_chr18:55360919-55362118; plus strand). Cytogenetic location: 18q21.31.
Variant type: single nucleotide variant.
Coding change: c.941-20A>G on transcript NM_001374385.1 (MANE Select); 20 bases into the intron before coding-DNA position 941, A replaced by G.
Molecular consequence: intron variant.
Genome position (GRCh38, 1-based): chr18:57,694,690, T>C on the plus strand (A>G on the coding strand, the complement: ATP8B1 is on the minus strand). VCF-style: chr18-57694690-T-C. GRCh37 (hg19) VCF-style: chr18-55361922-T-C.
Other names: c.941-20A>G (NM_005603.6); c.791-20A>G (NM_001374386.1).
Identifiers: ClinVar variation 489152 (VCV000489152.5), dbSNP rs1366870956, ClinGen allele CA630042763.

ClinVar aggregate classification (germline): Conflicting classifications of pathogenicity. Review status: criteria provided, conflicting classifications (1 of 4 stars). 2 submissions from 2 submitters: Uncertain significance (1); Likely benign (1). Last evaluated 2023-12-08.

Allele frequency attached by ClinVar (database versions not stated): gnomAD 0.00001; gnomAD exomes 0.00001; TOPMed 0.00001.
gnomAD v4.1: 4 of 1,481,650 alleles (0.00027%); highest among the groups gnomAD compares: Admixed American, 0.0051%; no homozygotes.

Submissions (2):

Labcorp Genetics (formerly Invitae), Labcorp
Classification: Likely benign. Last evaluated: 2023-12-08. Review status: criteria provided, single submitter. Criteria: Invitae Variant Classification Sherloc (09022015). Collection method: clinical testing. Allele origin: germline.

GeneDx
Classification: Uncertain significance. Last evaluated: 2017-12-15. Review status: criteria provided, single submitter. Criteria: GeneDx Variant Classification (06012015). Collection method: clinical testing. Allele origin: germline. Affected: yes.
Comment: The c.941-20 A>G variant has not been published as a pathogenic variant, nor has it been reported as a benign variant to our knowledge. The c.941-20 A>G variant is observed in 3/33,036 (0.09%) alleles from individuals of Latino background, in the ExAC dataset (Lek et al., 2016). Although in silico splice prediction models do not predict that c.941-20 A>G affected splicing, in the absence of RNA/functional studies, the actual effect of this sequence change in this individual is unknown. Therefore, based on the currently available information, it is unclear whether this variant is a pathogenic variant or a rare benign variant.